The following is an entry in ClinVar:

ClinVar aggregate classification (germline): Uncertain significance. Review status: criteria provided, multiple submitters, no conflicts (2 of 4 stars). 3 submissions from 3 submitters: Uncertain significance (2). 1 of the submissions does not count toward it. Last evaluated 2024-10-21.

Conditions:
Familial hemophagocytic lymphohistiocytosis 3 (FHL3). Also called: UNC13D-Related Familial Hemophagocytic Lymphohistiocytosis (UNC13D-fHLH). Identifiers: Orphanet 540, MedGen C1837174, MONDO:0012146, OMIM 608898.
Inborn genetic diseases. Identifiers: MedGen C0950123, MeSH D030342.

Allele frequency attached by ClinVar (database versions not stated): gnomAD exomes 0.00003; gnomAD 0.00006; TOPMed 0.00006; ExAC 0.00008; 1000 Genomes Project 30x 0.00016.
gnomAD v4.1: 52 of 1,601,602 alleles (0.0032%); highest among the groups gnomAD compares: East Asian, 0.029%; no homozygotes.

Submissions (3):

Labcorp Genetics (formerly Invitae), Labcorp
Classification: Uncertain significance for Familial hemophagocytic lymphohistiocytosis 3. Last evaluated: 2024-10-21. Review status: criteria provided, single submitter. Criteria: Invitae Variant Classification Sherloc (09022015). Collection method: clinical testing. Allele origin: germline.
Comment: This sequence change replaces arginine, which is basic and polar, with histidine, which is basic and polar, at codon 1023 of the UNC13D protein (p.Arg1023His). This variant is present in population databases (rs751157590, gnomAD 0.02%). This variant has not been reported in the literature in individuals affected with UNC13D-related conditions. ClinVar contains an entry for this variant (Variation ID: 962493). Invitae Evidence Modeling of protein sequence and biophysical properties (such as structural, functional, and spatial information, amino acid conservation, physicochemical variation, residue mobility, and thermodynamic stability) indicates that this missense variant is not expected to disrupt UNC13D protein function with a negative predictive value of 80%. In summary, the available evidence is currently insufficient to determine the role of this variant in disease. Therefore, it has been classified as a Variant of Uncertain Significance.

Ambry Genetics
Classification: Uncertain significance for Inborn genetic diseases. Last evaluated: 2021-11-08. Review status: criteria provided, single submitter. Criteria: Ambry Variant Classification Scheme 2023. Collection method: clinical testing. Allele origin: germline.

Genetic Services Laboratory, University of Chicago
Classification: Uncertain significance. Last evaluated: 2022-10-02. Review status: no assertion criteria provided. Collection method: clinical testing. Allele origin: germline. Affected: no. Not counted in ClinVar's aggregate classification.
Comment: DNA sequence analysis of the UNC13D gene demonstrated a sequence change, c.3068G>A, in exon 31 that results in an amino acid change, p.Arg1023His. This sequence change does not appear to have been previously described in individuals with UNC13D-related disorders. This sequence change has been described in the gnomAD database with a frequency of 0.02% in the African subpopulation (dbSNP rs751157590). The p.Arg1023His change affects a poorly conserved amino acid residue located in a domain of the UNC13D protein that is known to be functional. The p.Arg1023His substitution appears to benign using several in-silico pathogenicity prediction tools (SIFT, PolyPhen2, Align GVGD, REVEL). Due to insufficient evidences and the lack of functional studies, the clinical significance of the p.Arg1023His change remains unknown at this time.

NM_199242.3(UNC13D):c.3068G>A (p.Arg1023His)

Gene: UNC13D (unc-13 homolog D; minus strand). Cytogenetic location: 17q25.1.
Variant type: single nucleotide variant.
Coding change: c.3068G>A on transcript NM_199242.3 (MANE Select); coding-DNA position 3068, G replaced by A.
Protein change: p.Arg1023His; replaces arginine 1023 with histidine.
Molecular consequence: missense variant.
Genome position (GRCh38, 1-based): chr17:75,828,870, C>T on the plus strand (G>A on the coding strand, the complement: UNC13D is on the minus strand). VCF-style: chr17-75828870-C-T. GRCh37 (hg19) VCF-style: chr17-73824951-C-T.
Other names: short protein forms R1023H.
Identifiers: ClinVar variation 962493 (VCV000962493.11), dbSNP rs751157590, ClinGen allele CA8772283.
Genomic context (GRCh38, chr17:75,828,870, plus strand): 5'-GGCAGGCGGGTCTGAGGCACCTCACCAGGCTCCTCAGAGCCACTCAGCCCGGGCACCTCA[C>T]GCAGCGGCAGGAAGGCCTCGCCTTCCAGGTCGTCGGCCCCCAGCGTGTCGTAGTCCAGCA-3'
Protein context (NP_954712.1, residues 1013-1033): DLEGEAFLPL[Arg1023His]EVPGLSGSEE